The following is an entry in ClinVar:

NM_001376.5(DYNC1H1):c.3961-14A>G

Gene: DYNC1H1 (dynein cytoplasmic 1 heavy chain 1; plus strand). Cytogenetic location: 14q32.31.
Variant type: single nucleotide variant.
Coding change: c.3961-14A>G on transcript NM_001376.5 (MANE Select); 14 bases into the intron before coding-DNA position 3961, A replaced by G.
Molecular consequence: intron variant.
Genome position (GRCh38, 1-based): chr14:102,000,272, A>G. VCF-style: chr14-102000272-A-G. GRCh37 (hg19) VCF-style: chr14-102466609-A-G.
Identifiers: ClinVar variation 668586 (VCV000668586.8), dbSNP rs558548356, ClinGen allele CA7352140.

ClinVar aggregate classification (germline): Benign/Likely benign. Review status: criteria provided, multiple submitters, no conflicts (2 of 4 stars). 3 submissions from 3 submitters: Benign (1); Likely benign (2). Last evaluated 2026-01-14.

Conditions:
Charcot-Marie-Tooth disease axonal type 2O. Also called: Charcot-Marie-Tooth Neuropathy Type 2O; CHARCOT-MARIE-TOOTH NEUROPATHY, AXONAL, TYPE 2O; CHARCOT-MARIE-TOOTH DISEASE, AXONAL, AUTOSOMAL DOMINANT, TYPE 2O; Charcot-Marie-Tooth disease, axonal, type 20. Identifiers: Orphanet 284232, MedGen C3280220, MONDO:0013644, OMIM 614228.

Allele frequency attached by ClinVar (database versions not stated): gnomAD 0.00004 and 0.00005; TOPMed 0.00004; gnomAD exomes 0.00009 and 0.00012; ExAC 0.00010.
gnomAD v4.1: 142 of 1,614,008 alleles (0.0088%); highest among the groups gnomAD compares: South Asian, 0.099%; 1 homozygote.

Submissions (3):

Labcorp Genetics (formerly Invitae), Labcorp
Classification: Likely benign for Charcot-Marie-Tooth disease axonal type 2O. Last evaluated: 2026-01-14. Review status: criteria provided, single submitter. Criteria: Invitae Variant Classification Sherloc (09022015). Collection method: clinical testing. Allele origin: germline.

ARUP Laboratories, Molecular Genetics and Genomics, ARUP Laboratories
Classification: Benign. Last evaluated: 2023-10-09. Review status: criteria provided, single submitter. Criteria: ARUP Molecular Germline Variant Investigation Process 2024. Collection method: clinical testing. Allele origin: germline.

GeneDx
Classification: Likely benign. Last evaluated: 2018-05-23. Review status: criteria provided, single submitter. Criteria: GeneDx Variant Classification (06012015). Collection method: clinical testing. Allele origin: germline. Affected: yes.
Comment: This variant is considered likely benign or benign based on one or more of the following criteria: it is a conservative change, it occurs at a poorly conserved position in the protein, it is predicted to be benign by multiple in silico algorithms, and/or has population frequency not consistent with disease.